The following is an entry in ClinVar:

ClinVar aggregate classification (germline): Pathogenic (1 of 4 stars; one submission).

Submission:

Labcorp Genetics (formerly Invitae), Labcorp
Classification: Pathogenic. Last evaluated: 2023-11-13. Review status: criteria provided, single submitter. Criteria: Invitae Variant Classification Sherloc (09022015). Collection method: clinical testing. Allele origin: germline.
Comment: This variant is a gross deletion of the genomic region encompassing exon(s) 3-24 of the MSH3 gene, which includes the termination codon. This deletion extends beyond the assayed region for this gene and therefore may encompass additional genes. While this deletion is not anticipated to lead to nonsense mediated decay, it is expected to alter mRNA translation or result in a truncated protein product. This variant has not been reported in the literature in individuals affected with MSH3-related conditions. Experimental studies and prediction algorithms are not available or were not evaluated, and the functional significance of this variant is currently unknown. This variant disrupts a region of the MSH3 protein in which other variant(s) (p.Gly1044Ser) have been determined to be pathogenic (PMID: 9536098, 17576681). This suggests that this is a clinically significant region of the protein, and that variants that disrupt it are likely to be disease-causing. For these reasons, this variant has been classified as Pathogenic.

Literature cited by the submitters: PubMed 9536098; PubMed 17576681.

NC_000005.10:g.(?_80665133)_(80875862_?)del

Gene: MSH3 (mutS homolog 3; plus strand). Cytogenetic location: 5q14.1.
Variant type: Deletion.
Identifiers: ClinVar variation 833312 (VCV000833312.7).